The following is an entry in ClinVar:

NM_001197104.2(KMT2A):c.2686G>A (p.Gly896Arg)

Gene: KMT2A (lysine methyltransferase 2A; plus strand). Cytogenetic location: 11q23.3.
Variant type: single nucleotide variant.
Coding change: c.2686G>A on transcript NM_001197104.2 (MANE Select); coding-DNA position 2686, G replaced by A.
Protein change: p.Gly896Arg; replaces glycine 896 with arginine.
Molecular consequence: missense variant.
Genome position (GRCh38, 1-based): chr11:118,473,845, G>A. VCF-style: chr11-118473845-G-A. GRCh37 (hg19) VCF-style: chr11-118344560-G-A.
Other names: c.2785G>A, p.Gly929Arg (NM_001412597.1); c.2686G>A, p.Gly896Arg (NM_005933.4); short protein forms G896R, G929R.
Identifiers: ClinVar variation 4799235 (VCV004799235.1).
Genomic context (GRCh38, chr11:118,473,845, plus strand): 5'-AGAGACCGGGAGAGAGAAAAGGAGAATAAGCGGGAGTCAAGGAAAGAGAAAAGGAAAAAG[G>A]GATCAGAAATTCAGAGTAGTTCTGCTTTGTATCCTGTGGGTAGGGTTTCCAAAGAGAAGG-3'
Protein context (NP_001184033.1, residues 886-906): RESRKEKRKK[Gly896Arg]SEIQSSSALY

ClinVar aggregate classification (germline): Uncertain significance (1 of 4 stars; one submission).

gnomAD v4.1: 1 of 1,614,164 alleles (0.000062%); highest among the groups gnomAD compares: Non-Finnish European, 0.000085%; no homozygotes.

Submission:

Labcorp Genetics (formerly Invitae), Labcorp
Classification: Uncertain significance. Last evaluated: 2025-12-26. Review status: criteria provided, single submitter. Criteria: Invitae Variant Classification Sherloc (09022015). Collection method: clinical testing. Allele origin: germline.
Comment: This sequence change replaces glycine, which is neutral and non-polar, with arginine, which is basic and polar, at codon 896 of the KMT2A protein (p.Gly896Arg). This variant is not present in population databases (gnomAD no frequency). This variant has not been reported in the literature in individuals affected with KMT2A-related conditions. Invitae Evidence Modeling of protein sequence and biophysical properties (such as structural, functional, and spatial information, amino acid conservation, physicochemical variation, residue mobility, and thermodynamic stability) indicates that this missense variant is not expected to disrupt KMT2A protein function with a negative predictive value of 95%. In summary, the available evidence is currently insufficient to determine the role of this variant in disease. Therefore, it has been classified as a Variant of Uncertain Significance.